The following is an entry in ClinVar:

ClinVar aggregate classification (germline): Likely benign. Review status: criteria provided, multiple submitters, no conflicts (2 of 4 stars). 4 submissions from 4 submitters: Likely benign (4). Last evaluated 2026-01-06.

Conditions:
Hereditary cancer-predisposing syndrome. Also called: Hereditary Cancer Syndrome; Neoplastic Syndromes, Hereditary; Hereditary neoplastic syndrome; Tumor predisposition. Identifiers: Orphanet 140162, MedGen C0027672, MeSH D009386, MONDO:0015356.
Hereditary diffuse gastric adenocarcinoma (HDGC). Also called: DIFFUSE GASTRIC AND LOBULAR BREAST CANCER SYNDROME. Identifiers: Orphanet 26106, MedGen C1708349, MONDO:0007648, OMIM 137215.

Allele frequency attached by ClinVar (database versions not stated): gnomAD exomes below 0.00001; TOPMed below 0.00001; ExAC 0.00001.

Submissions (4):

Labcorp Genetics (formerly Invitae), Labcorp
Classification: Likely benign for Hereditary diffuse gastric adenocarcinoma. Last evaluated: 2026-01-06. Review status: criteria provided, single submitter. Criteria: Invitae Variant Classification Sherloc (09022015). Collection method: clinical testing. Allele origin: germline.

Center for Genomic Medicine, Rigshospitalet, Copenhagen University Hospital
Classification: Likely benign. Last evaluated: 2025-03-04. Review status: criteria provided, single submitter. Criteria: ACMG Guidelines, 2015. Collection method: clinical testing. Allele origin: germline.

Myriad Genetics, Inc.
Classification: Likely benign for Hereditary diffuse gastric adenocarcinoma. Last evaluated: 2024-09-18. Review status: criteria provided, single submitter. Criteria: Myriad Autosomal Dominant, Autosomal Recessive and X-Linked Classification Criteria (2023). Collection method: clinical testing. Allele origin: unknown.
Comment: This variant is considered likely benign. This variant is intronic and is not expected to impact mRNA splicing.

Color Diagnostics, LLC DBA Color Health
Classification: Likely benign for Hereditary cancer-predisposing syndrome. Last evaluated: 2024-02-12. Review status: criteria provided, single submitter. Criteria: ACMG Guidelines, 2015. Collection method: clinical testing. Allele origin: germline.

NM_004360.5(CDH1):c.1321-11del

Gene: CDH1 (cadherin 1; plus strand). Cytogenetic location: 16q22.1.
Variant type: Deletion.
Coding change: c.1321-11del on transcript NM_004360.5 (MANE Select); 11 bases into the intron before coding-DNA position 1321, one base deleted (C; older notation c.1321-11delC).
Molecular consequence: intron variant.
Genome position (GRCh38, 1-based): chr16:68,815,504, C deleted. VCF-style (leftmost placement, unchanged base first): chr16-68815503-TC-T. GRCh37 (hg19) VCF-style: chr16-68849406-TC-T.
Other names: c.1321-11delC (NM_004360.5); c.-228-11del (NM_001317185.2); c.-499-11del (NM_001317186.2); c.1138-11del (NM_001317184.2).
Identifiers: ClinVar variation 1652836 (VCV001652836.12), dbSNP rs761117936, ClinGen allele CA8130070.